The following is an entry in ClinVar:

ClinVar aggregate classification (germline): Conflicting classifications of pathogenicity. Review status: criteria provided, conflicting classifications (1 of 4 stars). 3 submissions from 3 submitters: Uncertain significance (2); Likely benign (1). Last evaluated 2025-11-08.

Conditions:
Autosomal recessive limb-girdle muscular dystrophy type 2W (MDRCMTT). Also called: Muscular dystrophy, autosomal recessive, with cardiomyopathy and triangular tongue; Muscular dystrophy, limb-girdle, type 2W. Identifiers: MedGen C4225192, MONDO:0014788, OMIM 616827.

Allele frequency attached by ClinVar (database versions not stated): 1000 Genomes Project 30x 0.00031; gnomAD 0.00038 and 0.00040; 1000 Genomes Project 0.00040; gnomAD exomes 0.00047 and 0.00045; ExAC 0.00041; TOPMed 0.00045; ESP Exome Variant Server 0.00046.
gnomAD v4.1: 738 of 1,613,610 alleles (0.046%); highest among the groups gnomAD compares: Middle Eastern, 0.13%; no homozygotes.

Submissions (3):

Labcorp Genetics (formerly Invitae), Labcorp
Classification: Uncertain significance for Autosomal recessive limb-girdle muscular dystrophy type 2W. Last evaluated: 2025-11-08. Review status: criteria provided, single submitter. Criteria: Invitae Variant Classification Sherloc (09022015). Collection method: clinical testing. Allele origin: germline.
Comment: This sequence change replaces asparagine, which is neutral and polar, with lysine, which is basic and polar, at codon 316 of the LIMS2 protein (p.Asn316Lys). This variant is present in population databases (rs149101001, gnomAD 0.1%), and has an allele count higher than expected for a pathogenic variant. This variant has not been reported in the literature in individuals affected with LIMS2-related conditions. ClinVar contains an entry for this variant (Variation ID: 542250). Invitae Evidence Modeling of protein sequence and biophysical properties (such as structural, functional, and spatial information, amino acid conservation, physicochemical variation, residue mobility, and thermodynamic stability) indicates that this missense variant is not expected to disrupt LIMS2 protein function with a negative predictive value of 80%. In summary, the available evidence is currently insufficient to determine the role of this variant in disease. Therefore, it has been classified as a Variant of Uncertain Significance.

Revvity Omics, Revvity
Classification: Likely benign for Autosomal recessive limb-girdle muscular dystrophy type 2W. Last evaluated: 2023-08-29. Review status: criteria provided, single submitter. Criteria: ACMG Guidelines, 2015. Collection method: clinical testing. Allele origin: germline.

Breakthrough Genomics
Classification: Uncertain significance. Review status: criteria provided, single submitter. Criteria: ACMG Guidelines, 2015. Collection method: not provided. Allele origin: germline. Inheritance: Autosomal recessive inheritance. Affected: yes.

NM_001161403.3(LIMS2):c.882C>A (p.Asn294Lys)

Gene: LIMS2 (LIM zinc finger domain containing 2; minus strand). Cytogenetic location: 2q14.3.
Variant type: single nucleotide variant.
Coding change: c.882C>A on transcript NM_001161403.3 (MANE Select); coding-DNA position 882, C replaced by A.
Protein change: p.Asn294Lys; replaces asparagine 294 with lysine.
Molecular consequence: missense variant.
Genome position (GRCh38, 1-based): chr2:127,639,425, G>T on the plus strand (C>A on the coding strand, the complement: LIMS2 is on the minus strand). VCF-style: chr2-127639425-G-T. GRCh37 (hg19) VCF-style: chr2-128397000-G-T.
Other names: c.948C>A (NM_001136037.3); c.948C>A, p.Asn316Lys (NM_001136037.4); c.867C>A, p.Asn289Lys (NM_001161404.2); c.426C>A, p.Asn142Lys (NM_001256542.2); c.954C>A, p.Asn318Lys (NM_017980.5); short protein forms N289K, N318K, N316K, N142K, N294K.
Identifiers: ClinVar variation 542250 (VCV000542250.18), dbSNP rs149101001, ClinGen allele CA1862819.